The following is an entry in ClinVar:

ClinVar aggregate classification (germline): Uncertain significance (1 of 4 stars; one submission).

Conditions:
Hereditary cancer-predisposing syndrome. Also called: Neoplastic Syndromes, Hereditary; Tumor predisposition; Hereditary Cancer Syndrome; Hereditary neoplastic syndrome. Identifiers: Orphanet 140162, MedGen C0027672, MeSH D009386, MONDO:0015356.

Submission:

Ambry Genetics
Classification: Uncertain significance for Hereditary cancer-predisposing syndrome. Last evaluated: 2025-12-29. Review status: criteria provided, single submitter. Criteria: Ambry Variant Classification Scheme 2023. Collection method: clinical testing. Allele origin: germline.
Comment: The p.D513Y variant (also known as c.1537G>T), located in coding exon 10 of the RAD50 gene, results from a G to T substitution at nucleotide position 1537. The aspartic acid at codon 513 is replaced by tyrosine, an amino acid with highly dissimilar properties. This amino acid position is conserved. In addition, the in silico prediction for this alteration is inconclusive. Based on the available evidence, the clinical significance of this variant remains unclear.

NM_005732.4(RAD50):c.1537G>T (p.Asp513Tyr)

Gene: RAD50 (RAD50 double strand break repair protein; plus strand). Cytogenetic location: 5q31.1.
Variant type: single nucleotide variant.
Coding change: c.1537G>T on transcript NM_005732.4 (MANE Select); coding-DNA position 1537, G replaced by T.
Protein change: p.Asp513Tyr; replaces aspartic acid 513 with tyrosine.
Molecular consequence: missense variant.
Genome position (GRCh38, 1-based): chr5:132,591,308, G>T. VCF-style: chr5-132591308-G-T. GRCh37 (hg19) VCF-style: chr5-131927000-G-T.
Other names: short protein forms D513Y.
Identifiers: ClinVar variation 4842943 (VCV004842943.1).